The following is an entry in ClinVar:

NM_033225.6(CSMD1):c.4220G>C (p.Arg1407Thr)

Gene: CSMD1 (CUB and Sushi multiple domains 1; minus strand). Cytogenetic location: 8p23.2.
Variant type: single nucleotide variant.
Coding change: c.4220G>C on transcript NM_033225.6 (MANE Select); coding-DNA position 4220, G replaced by C.
Protein change: p.Arg1407Thr; replaces arginine 1407 with threonine.
Molecular consequence: missense variant.
Genome position (GRCh38, 1-based): chr8:3,230,165, C>G on the plus strand (G>C on the coding strand, the complement: CSMD1 is on the minus strand). VCF-style: chr8-3230165-C-G. GRCh37 (hg19) VCF-style: chr8-3087687-C-G.
Other names: short protein forms R1407T.
Identifiers: ClinVar variation 782274 (VCV000782274.14), dbSNP rs147245019, ClinGen allele CA4607418.

ClinVar aggregate classification (germline): Benign/Likely benign. Review status: criteria provided, multiple submitters, no conflicts (2 of 4 stars). 4 submissions from 4 submitters: Benign (3); Likely benign (1). Last evaluated 2025-08-18.

Allele frequency attached by ClinVar (database versions not stated): 1000 Genomes Project 30x 0.00234; 1000 Genomes Project 0.00240; TOPMed 0.00350; gnomAD 0.00397 and 0.00430; ESP Exome Variant Server 0.00509; gnomAD exomes 0.00537; ExAC 0.00593.
gnomAD v4.1: 9,028 of 1,613,496 alleles (0.56%); highest among the groups gnomAD compares: South Asian, 1.3%; 43 homozygotes.

Submissions (4):

Genomic Medicine Center of Excellence, King Faisal Specialist Hospital and Research Centre
Classification: Likely benign. Last evaluated: 2025-08-18. Review status: criteria provided, single submitter. Criteria: ACMG Guidelines, 2015. Collection method: clinical testing. Allele origin: germline.

CeGaT Center for Human Genetics Tuebingen
Classification: Benign. Last evaluated: 2025-07-01. Review status: criteria provided, single submitter. Criteria: CeGaT Center For Human Genetics Tuebingen Variant Classification Criteria Version 2. Collection method: clinical testing. Allele origin: germline. Affected: yes. Observed: 1 variant allele.
Comment: CSMD1: BS1, BS2

Labcorp Genetics (formerly Invitae), Labcorp
Classification: Benign. Last evaluated: 2019-12-31. Review status: criteria provided, single submitter. Criteria: Invitae Variant Classification Sherloc (09022015). Collection method: clinical testing. Allele origin: germline.

Breakthrough Genomics
Classification: Benign. Review status: criteria provided, single submitter. Criteria: ACMG Guidelines, 2015. Collection method: not provided. Allele origin: germline. Inheritance: Unknown mechanism. Affected: yes.